The following is an entry in ClinVar:

NM_000455.5(STK11):c.1183A>G (p.Thr395Ala)

Gene: STK11 (serine/threonine kinase 11; plus strand). Cytogenetic location: 19p13.3.
Variant type: single nucleotide variant.
Coding change: c.1183A>G on transcript NM_000455.5 (MANE Select); coding-DNA position 1183, A replaced by G.
Protein change: p.Thr395Ala; replaces threonine 395 with alanine.
Molecular consequence: missense variant.
Genome position (GRCh38, 1-based): chr19:1,226,528, A>G. VCF-style: chr19-1226528-A-G. GRCh37 (hg19) VCF-style: chr19-1226527-A-G.
Other names: short protein forms T395A.
Identifiers: ClinVar variation 141954 (VCV000141954.27), dbSNP rs587782138, ClinGen allele CA022417.
Genomic context (GRCh38, chr19:1,226,528, plus strand): 5'-GAGGAGGCCAGTCACAATGGACAGCGCCGGGGCCTCCCCAAGGCCGTGTGTATGAACGGC[A>G]CAGAGGCGGCGCAGCTGAGCACCAAATCCAGGGCGGAGGGCCGGGCCCCCAACCCTGCCC-3'
Protein context (NP_000446.1, residues 385-405): GLPKAVCMNG[Thr395Ala]EAAQLSTKSR

ClinVar aggregate classification (germline): Uncertain significance. Review status: criteria provided, multiple submitters, no conflicts (2 of 4 stars). 8 submissions from 8 submitters: Uncertain significance (8). Last evaluated 2025-09-22.

Conditions:
Carcinoma of pancreas. Also called: Exocrine pancreatic carcinoma; Pancreatic carcinoma, somatic; Pancreatic cancer, somatic; PANCREATIC ACINAR CARCINOMA; PANCREATIC CARCINOMA. Identifiers: Orphanet 1333, Orphanet 217074, MedGen C0235974, MONDO:0005192. Disease mechanism: loss of function.
Peutz-Jeghers syndrome (PJS). Also called: Peutz-Jeghers polyposis; Periorificial lentiginosis syndrome; POLYPOSIS, HAMARTOMATOUS INTESTINAL; POLYPS-AND-SPOTS SYNDROME. Identifiers: Orphanet 2869, MedGen C0031269, MeSH D010580, MONDO:0008280, OMIM 175200.
Melanoma, cutaneous malignant, susceptibility to, 1 (CMM1). Also called: MELANOMA, MALIGNANT; DYSPLASTIC NEVUS SYNDROME, HEREDITARY; FAMILIAL ATYPICAL MOLE-MALIGNANT MELANOMA SYNDROME; B-K MOLE SYNDROME. Identifiers: Orphanet 618, MedGen C1835047, MONDO:0007963, OMIM 155600.
Germ cell tumor of testis (TGCT). Also called: GERM CELL TUMOR, SOMATIC; Testicular germ cell tumor. Identifiers: Orphanet 363504, MedGen C1336708, MONDO:0010108, OMIM 273300.
Hereditary cancer-predisposing syndrome. Also called: Neoplastic Syndromes, Hereditary; Hereditary Cancer Syndrome; Hereditary neoplastic syndrome; Tumor predisposition. Identifiers: Orphanet 140162, MedGen C0027672, MeSH D009386, MONDO:0015356.

Allele frequency attached by ClinVar (database versions not stated): gnomAD exomes below 0.00001 and 0.00001; gnomAD 0.00001.
gnomAD v4.1: 3 of 1,608,630 alleles (0.00019%); highest among the groups gnomAD compares: Admixed American, 0.0017%; no homozygotes.

Submissions (8):

Ambry Genetics
Classification: Uncertain significance for Hereditary cancer-predisposing syndrome. Last evaluated: 2025-09-22. Review status: criteria provided, single submitter. Criteria: Ambry Variant Classification Scheme 2023. Collection method: clinical testing. Allele origin: germline.
Comment: The p.T395A variant (also known as c.1183A>G), located in coding exon 9 of the STK11 gene, results from an A to G substitution at nucleotide position 1183. The threonine at codon 395 is replaced by alanine, an amino acid with similar properties. This amino acid position is highly conserved in available vertebrate species. In addition, this alteration is predicted to be tolerated by in silico analysis. Since supporting evidence is limited at this time, the clinical significance of this alteration remains unclear.

Labcorp Genetics (formerly Invitae), Labcorp
Classification: Uncertain significance for Peutz-Jeghers syndrome. Last evaluated: 2025-09-19. Review status: criteria provided, single submitter. Criteria: Invitae Variant Classification Sherloc (09022015). Collection method: clinical testing. Allele origin: germline.
Comment: This sequence change replaces threonine, which is neutral and polar, with alanine, which is neutral and non-polar, at codon 395 of the STK11 protein (p.Thr395Ala). This variant is present in population databases (rs587782138, gnomAD 0.001%). This variant has not been reported in the literature in individuals affected with STK11-related conditions. ClinVar contains an entry for this variant (Variation ID: 141954). Invitae Evidence Modeling of protein sequence and biophysical properties (such as structural, functional, and spatial information, amino acid conservation, physicochemical variation, residue mobility, and thermodynamic stability) indicates that this missense variant is not expected to disrupt STK11 protein function with a negative predictive value of 95%. In summary, the available evidence is currently insufficient to determine the role of this variant in disease. Therefore, it has been classified as a Variant of Uncertain Significance.

Women's Health and Genetics/Laboratory Corporation of America, LabCorp
Classification: Uncertain significance. Last evaluated: 2024-06-27. Review status: criteria provided, single submitter. Criteria: LabCorp Variant Classification Summary - May 2015. Collection method: clinical testing. Allele origin: germline.

All of Us Research Program, National Institutes of Health
Classification: Uncertain significance for Peutz-Jeghers syndrome. Last evaluated: 2024-03-05. Review status: criteria provided, single submitter. Criteria: ACMG Guidelines, 2015. Collection method: clinical testing. Allele origin: germline. Inheritance: Autosomal dominant inheritance. Observed: 1 variant allele, 1 heterozygote.
Comment: This study involves interpretation of variants in research participants for the purpose of population health screening. Participant phenotype was not available at the time of variant classification. Additional details can be found in publication PMID: 35346344, PMCID: PMC8962531

Color Diagnostics, LLC DBA Color Health
Classification: Uncertain significance for Hereditary cancer-predisposing syndrome. Last evaluated: 2023-12-04. Review status: criteria provided, single submitter. Criteria: ACMG Guidelines, 2015. Collection method: clinical testing. Allele origin: germline.
Comment: This missense variant replaces threonine with alanine at codon 395 of the STK11 protein. Computational prediction suggests that this variant may not impact protein structure and function (internally defined REVEL score threshold <= 0.5, PMID: 27666373). To our knowledge, functional studies have not been reported for this variant. This variant has not been reported in individuals affected with STK11-related disorders in the literature. This variant has been identified in 2/236316 chromosomes in the general population by the Genome Aggregation Database (gnomAD). The available evidence is insufficient to determine the role of this variant in disease conclusively. Therefore, this variant is classified as a Variant of Uncertain Significance.

Fulgent Genetics
Classification: Uncertain significance for Melanoma, cutaneous malignant, susceptibility to, 1; Peutz-Jeghers syndrome; Familial pancreatic carcinoma; Germ cell tumor of testis. Last evaluated: 2022-05-16. Review status: criteria provided, single submitter. Criteria: ACMG Guidelines, 2015. Collection method: clinical testing. Allele origin: unknown.

Genome-Nilou Lab
Classification: Uncertain significance for Peutz-Jeghers syndrome. Last evaluated: 2021-07-15. Review status: criteria provided, single submitter. Criteria: ACMG Guidelines, 2015. Collection method: clinical testing. Allele origin: germline. Affected: no.

Quest Diagnostics Nichols Institute San Juan Capistrano
Classification: Uncertain significance. Last evaluated: 2021-04-07. Review status: criteria provided, single submitter. Criteria: Quest Diagnostics criteria. Collection method: clinical testing. Allele origin: unknown.